The following is an entry in ClinVar:

NM_144666.3(DNHD1):c.9686T>C (p.Leu3229Pro)

Gene: DNHD1 (dynein heavy chain domain 1; plus strand). Cytogenetic location: 11p15.4.
Variant type: single nucleotide variant.
Coding change: c.9686T>C on transcript NM_144666.3 (MANE Select); coding-DNA position 9686, T replaced by C.
Protein change: p.Leu3229Pro; replaces leucine 3229 with proline.
Molecular consequence: missense variant.
Genome position (GRCh38, 1-based): chr11:6,563,398, T>C. VCF-style: chr11-6563398-T-C. GRCh37 (hg19) VCF-style: chr11-6584628-T-C.
Other names: short protein forms L3229P.
Identifiers: ClinVar variation 3375824 (VCV003375824.1).

ClinVar aggregate classification (germline): Uncertain significance (1 of 4 stars; one submission).

gnomAD v4.1: 7 of 1,551,718 alleles (0.00045%); highest among the groups gnomAD compares: Non-Finnish European, 0.00061%; no homozygotes.

Submission:

GeneDx
Classification: Uncertain significance. Last evaluated: 2024-03-14. Review status: criteria provided, single submitter. Criteria: GeneDx Variant Classification Process June 2021. Collection method: clinical testing. Allele origin: germline. Affected: yes.
Comment: In silico analysis supports that this missense variant does not alter protein structure/function; Has not been previously published as pathogenic or benign to our knowledge